The following is an entry in ClinVar:

ClinVar aggregate classification (germline): Pathogenic/Likely pathogenic. Review status: criteria provided, multiple submitters, no conflicts (2 of 4 stars). 3 submissions from 3 submitters: Pathogenic (2); Likely pathogenic (1). Last evaluated 2026-01-27.

Conditions:
Hypogonadotropic hypogonadism 2 with or without anosmia (HH2). Also called: FGFR1-Related GnRH Deficiency (Kallmann Syndrome 2); HYPOGONADOTROPIC HYPOGONADISM 2 WITHOUT ANOSMIA; HYPOGONADOTROPIC HYPOGONADISM 2 WITH OR WITHOUT ANOSMIA, SUSCEPTIBILITY TO; HYPOGONADOTROPIC HYPOGONADISM 2 WITHOUT ANOSMIA, SUSCEPTIBILITY TO. Identifiers: Orphanet 478, MedGen C1563720, MONDO:0007844, OMIM 147950. Disease mechanism: loss of function.
Pfeiffer syndrome (ACS5). Also called: ACS V. Identifiers: Orphanet 710, MedGen C0220658, MONDO:0007043, OMIM 101600.

Submissions (3):

Labcorp Genetics (formerly Invitae), Labcorp
Classification: Pathogenic for Pfeiffer syndrome; Hypogonadotropic hypogonadism 2 with or without anosmia. Last evaluated: 2026-01-27. Review status: criteria provided, single submitter. Criteria: Invitae Variant Classification Sherloc (09022015). Collection method: clinical testing. Allele origin: germline.
Comment: This sequence change replaces arginine, which is basic and polar, with tryptophan, which is neutral and slightly polar, at codon 254 of the FGFR1 protein (p.Arg254Trp). This variant is not present in population databases (gnomAD no frequency). This missense change has been observed in individual(s) with clinical features of Kallmann syndrome or normosmic idiopathic hypogonadotropic hypogonadism (PMID: 18985070, 23276709, 30921766, 33983622, 34850017, 36531499). In at least one individual the variant was observed to be de novo. ClinVar contains an entry for this variant (Variation ID: 2505417). Invitae Evidence Modeling of protein sequence and biophysical properties (such as structural, functional, and spatial information, amino acid conservation, physicochemical variation, residue mobility, and thermodynamic stability) indicates that this missense variant is not expected to disrupt FGFR1 protein function with a negative predictive value of 80%. Experimental studies have shown that this missense change affects FGFR1 function (PMID: 23276709). For these reasons, this variant has been classified as Pathogenic.

Victorian Clinical Genetics Services, Murdoch Childrens Research Institute
Classification: Pathogenic for Hypogonadotropic hypogonadism 2 with or without anosmia. Last evaluated: 2025-11-27. Review status: criteria provided, single submitter. Criteria: ACMG Guidelines, 2015. Collection method: clinical testing. Allele origin: germline. Affected: yes.
Comment: This variant is classified as Pathogenic. Evidence in support of pathogenic classification: Variant is absent from gnomAD (v2, v3 and v4); This variant has strong previous evidence of pathogenicity in unrelated individuals. This variant has been classified as pathogenic by a clinical laboratory in ClinVar and has been reported in the literature in multiple individuals, as inherited and de novo, with hypogonadotropic hypogonadism with or without anosmia (PMIDs: 23276709, 26051373, 33354214, 31277073, 36531499, 37805574, 30921766); This variant has moderate functional evidence supporting abnormal protein function. In vitro studies demonstrate this variant reduces receptor expression and signaling capacity compared to wild type (PMID: 23276709); Another missense variant comparable to the one identified in this case has moderate previous evidence for pathogenicity. p.(Arg254Gln) has been classified as likely pathogenic by a clinical laboratory in ClinVar, and reported in the literature in individuals with hypogonadotropic hypogonadism with or without anosmia (PMIDs: 23276709, 35090434); Missense variant predicted to be damaging by in silico tool(s) or highly conserved with a major amino acid change. Additional information: Variant is predicted to result in a missense amino acid change from Arg to Trp; This variant is heterozygous; This gene is associated with autosomal dominant disease, with very rare reports of biallelic missense variants in patients with Hartsfield syndrome (PMID: 23812909); Alternative amino acid change(s) at the same position are present in gnomAD (highest allele count: v4: 2 heterozygote(s), 0 homozygote(s)); Variant is located in the annotated D2-D3 linker region (PMID: 23276709); Loss of function, gain of function and dominant negative are known mechanisms of disease in this gene, and are associated with FGFR1-related disease. Loss of function missense variants and variants predicted to undergo nonsense-mediated decay have been reported to cause Hartsfield syndrome (MIM#615465) and hypogonadotropic hypogonadism 2 (MIM#147950). Gain of function missense variants have been reported to cause encephalocraniocutaneous lipomatosis, somatic mosaic (MIM#613001) and osteoglophonic dysplasia (MIM#166250). Dominant negative missense variants in the tyrosine kinase domain have been associated with Hartsfield syndrome (MIM#615465). Additional missense variants have been reported in patients with Jackson-Weiss syndrome (MIM#123150), Pfeiffer syndrome (MIM#101600) or trigonocephaly 1 (MIM#190440); however, the disease mechanism of these variants is unknown (OMIM, PMID: 18034870, 23812909, 26937548, 26942290; 30787447); The condition associated with this gene has incomplete penetrance. Incomplete penetrance has been reported for Hartsfield syndrome (MIM#615465) (PMID: 26937548); Loss of function variants in this gene are known to have variable expressivity (PMID: 23812909).

Reproductive Endocrine Unit, Massachusetts General Hospital
Classification: Likely pathogenic for Hypogonadotropic hypogonadism 2 with or without anosmia. Last evaluated: 2023-05-04. Review status: criteria provided, single submitter. Criteria: ACMG Guidelines, 2015. Collection method: research. Allele origin: unknown. Affected: yes. Observed: 1 variant allele.

Literature cited by the submitters: PubMed 18985070 (cited by Labcorp Genetics (formerly Invitae), Labcorp); PubMed 23276709 (cited by Labcorp Genetics (formerly Invitae), Labcorp and Victorian Clinical Genetics Services, Murdoch Childrens Research Institute); PubMed 30921766 (cited by Labcorp Genetics (formerly Invitae), Labcorp and Victorian Clinical Genetics Services, Murdoch Childrens Research Institute); PubMed 33983622 (cited by Labcorp Genetics (formerly Invitae), Labcorp); PubMed 34850017 (cited by Labcorp Genetics (formerly Invitae), Labcorp); PubMed 36531499 (cited by Labcorp Genetics (formerly Invitae), Labcorp and Victorian Clinical Genetics Services, Murdoch Childrens Research Institute); PubMed 35090434 (cited by Victorian Clinical Genetics Services, Murdoch Childrens Research Institute); PubMed 23812909 (cited by Victorian Clinical Genetics Services, Murdoch Childrens Research Institute); PubMed 18034870 (cited by Victorian Clinical Genetics Services, Murdoch Childrens Research Institute); PubMed 26937548 (cited by Victorian Clinical Genetics Services, Murdoch Childrens Research Institute); PubMed 26051373 (cited by Victorian Clinical Genetics Services, Murdoch Childrens Research Institute); PubMed 37805574 (cited by Victorian Clinical Genetics Services, Murdoch Childrens Research Institute); PubMed 33354214 (cited by Victorian Clinical Genetics Services, Murdoch Childrens Research Institute); PubMed 31277073 (cited by Victorian Clinical Genetics Services, Murdoch Childrens Research Institute); PubMed 26942290 (cited by Victorian Clinical Genetics Services, Murdoch Childrens Research Institute).

NM_023110.3(FGFR1):c.760C>T (p.Arg254Trp)

Gene: FGFR1 (fibroblast growth factor receptor 1; minus strand). Cytogenetic location: 8p11.23.
Variant type: single nucleotide variant.
Coding change: c.760C>T on transcript NM_023110.3 (MANE Select); coding-DNA position 760, C replaced by T.
Protein change: p.Arg254Trp; replaces arginine 254 with tryptophan.
Molecular consequence: missense variant.
Genome position (GRCh38, 1-based): chr8:38,424,685, G>A on the plus strand (C>T on the coding strand, the complement: FGFR1 is on the minus strand). VCF-style: chr8-38424685-G-A. GRCh37 (hg19) VCF-style: chr8-38282203-G-A.
Other names: c.760C>T, p.Arg254Trp (NM_000604.2, NM_001174063.2); c.736C>T, p.Arg246Trp (NM_001174064.2); c.754C>T, p.Arg252Trp (NM_001174065.2, NM_001354367.2, NM_001354369.2 and 2 more transcripts); c.493C>T, p.Arg165Trp (NM_001174066.2, NM_023105.3); c.853C>T, p.Arg285Trp (NM_001174067.2); c.487C>T, p.Arg163Trp (NM_001354368.2, NM_001354370.2, NM_023106.3); short protein forms R163W, R165W, R246W, R252W, R254W, R285W.
Identifiers: ClinVar variation 2505417 (VCV002505417.4), dbSNP rs2150825999, ClinGen allele CA370735158.